The following is an entry in ClinVar:

ClinVar aggregate classification (germline): Uncertain significance. Review status: criteria provided, multiple submitters, no conflicts (2 of 4 stars). 2 submissions from 2 submitters: Uncertain significance (2). Last evaluated 2025-08-04.

Allele frequency attached by ClinVar (database versions not stated): gnomAD exomes below 0.00001; gnomAD 0.00002; TOPMed 0.00002.
gnomAD v4.1: 9 of 1,603,694 alleles (0.00056%); highest among the groups gnomAD compares: African/African-American, 0.0013%; no homozygotes.

Submissions (2):

Labcorp Genetics (formerly Invitae), Labcorp
Classification: Uncertain significance. Last evaluated: 2025-08-04. Review status: criteria provided, single submitter. Criteria: Invitae Variant Classification Sherloc (09022015). Collection method: clinical testing. Allele origin: germline.
Comment: This sequence change replaces threonine, which is neutral and polar, with alanine, which is neutral and non-polar, at codon 1044 of the NPAT protein (p.Thr1044Ala). This variant is present in population databases (no rsID available, gnomAD 0.01%). This variant has not been reported in the literature in individuals affected with NPAT-related conditions. ClinVar contains an entry for this variant (Variation ID: 1727960). An algorithm developed to predict the effect of missense changes on protein structure and function (PolyPhen-2) suggests that this variant is likely to be tolerated. In summary, the available evidence is currently insufficient to determine the role of this variant in disease. Therefore, it has been classified as a Variant of Uncertain Significance.

Ambry Genetics
Classification: Uncertain significance. Last evaluated: 2023-09-07. Review status: criteria provided, single submitter. Criteria: Ambry Variant Classification Scheme 2023. Collection method: clinical testing. Allele origin: germline.
Comment: The p.T1044A variant (also known as c.3130A>G), located in coding exon 17 of the NPAT gene, results from an A to G substitution at nucleotide position 3130. The threonine at codon 1044 is replaced by alanine, an amino acid with similar properties. This amino acid position is conserved. In addition, this alteration is predicted to be tolerated by in silico analysis. Since supporting evidence is limited at this time, the clinical significance of this alteration remains unclear.

NM_002519.3(NPAT):c.3130A>G (p.Thr1044Ala)

Gene: NPAT (nuclear protein, coactivator of histone transcription; minus strand). Cytogenetic location: 11q22.3.
Variant type: single nucleotide variant.
Coding change: c.3130A>G on transcript NM_002519.3 (MANE Select); coding-DNA position 3130, A replaced by G.
Protein change: p.Thr1044Ala; replaces threonine 1044 with alanine.
Molecular consequence: missense variant.
Genome position (GRCh38, 1-based): chr11:108,161,956, T>C on the plus strand (A>G on the coding strand, the complement: NPAT is on the minus strand). VCF-style: chr11-108161956-T-C. GRCh37 (hg19) VCF-style: chr11-108032683-T-C.
Other names: c.3151A>G, p.Thr1051Ala (NM_001321307.1); short protein forms T1044A, T1051A.
Identifiers: ClinVar variation 1727960 (VCV001727960.6), dbSNP rs988848773, ClinGen allele CA228374297.